The following is an entry in ClinVar:

ClinVar aggregate classification (germline): Uncertain significance (1 of 4 stars; one submission).

Submission:

Labcorp Genetics (formerly Invitae), Labcorp
Classification: Uncertain significance. Last evaluated: 2025-05-19. Review status: criteria provided, single submitter. Criteria: Invitae Variant Classification Sherloc (09022015). Collection method: clinical testing. Allele origin: germline.
Comment: This sequence change replaces glycine, which is neutral and non-polar, with alanine, which is neutral and non-polar, at codon 1412 of the COL4A3 protein (p.Gly1412Ala). This variant is not present in population databases (gnomAD no frequency). This variant has not been reported in the literature in individuals affected with COL4A3-related conditions. ClinVar contains an entry for this variant (Variation ID: 1497409). Invitae Evidence Modeling of protein sequence and biophysical properties (such as structural, functional, and spatial information, amino acid conservation, physicochemical variation, residue mobility, and thermodynamic stability) indicates that this missense variant is expected to disrupt COL4A3 protein function with a positive predictive value of 80%. This variant disrupts the p.Gly1412 amino acid residue in COL4A3. Other variant(s) that disrupt this residue have been observed in individuals with COL4A3-related conditions (PMID: 14582039, 26809805), which suggests that this may be a clinically significant amino acid residue. In summary, the available evidence is currently insufficient to determine the role of this variant in disease. Therefore, it has been classified as a Variant of Uncertain Significance.

Literature cited by the submitters: PubMed 14582039; PubMed 26809805.

NM_000091.5(COL4A3):c.4235G>C (p.Gly1412Ala)

Genes: MFF-DT (MFF divergent transcript; minus strand), COL4A3 (collagen type IV alpha 3 chain; plus strand). Cytogenetic location: 2q36.3.
Variant type: single nucleotide variant.
Coding change: c.4235G>C on transcript NM_000091.5 (MANE Select); coding-DNA position 4235, G replaced by C.
Protein change: p.Gly1412Ala; replaces glycine 1412 with alanine.
Molecular consequence: missense variant.
Genome position (GRCh38, 1-based): chr2:227,305,066, G>C. VCF-style: chr2-227305066-G-C. GRCh37 (hg19) VCF-style: chr2-228169782-G-C.
Other names: short protein forms G1412A.
Identifiers: ClinVar variation 1497409 (VCV001497409.6), dbSNP rs2073446714, ClinGen allele CA350863944.